The following is an entry in ClinVar:

NM_024407.5(NDUFS7):c.471A>C (p.Gly157=)

Gene: NDUFS7 (NADH:ubiquinone oxidoreductase core subunit S7; plus strand). Cytogenetic location: 19p13.3.
Variant type: single nucleotide variant.
Coding change: c.471A>C on transcript NM_024407.5 (MANE Select); coding-DNA position 471, A replaced by C.
Protein change: p.Gly157=; no amino-acid change (glycine 157 retained).
Molecular consequence: synonymous variant.
Genome position (GRCh38, 1-based): chr19:1,393,257, A>C. VCF-style: chr19-1393257-A-C. GRCh37 (hg19) VCF-style: chr19-1393256-A-C.
Other names: c.471A>C, p.Gly157= (NM_001363602.2); c.471A>C (NM_024407.4).
Identifiers: ClinVar variation 3008583 (VCV003008583.8), dbSNP rs1424443357, ClinGen allele CA504720437.

ClinVar aggregate classification (germline): Likely benign. Review status: criteria provided, multiple submitters, no conflicts (2 of 4 stars). 4 submissions from 4 submitters: Likely benign (3). 1 of the submissions does not count toward it. Last evaluated 2026-04-01.

Conditions:
NDUFS7-related disorder. Also called: NDUFS7-related condition.

Allele frequency attached by ClinVar (database versions not stated): gnomAD exomes 0.00001.

Submissions (4):

CeGaT Center for Human Genetics Tuebingen
Classification: Likely benign. Last evaluated: 2026-04-01. Review status: criteria provided, single submitter. Criteria: CeGaT Center For Human Genetics Tuebingen Variant Classification Criteria Version 2. Collection method: clinical testing. Allele origin: germline. Affected: yes. Observed: 1 variant allele.
Comment: NDUFS7: BP4, BP7

Blueprint Genetics
Classification: Likely benign. Last evaluated: 2024-09-05. Review status: criteria provided, single submitter. Criteria: ACMG Guidelines, 2015. Collection method: clinical testing. Allele origin: germline.

Labcorp Genetics (formerly Invitae), Labcorp
Classification: Likely benign. Last evaluated: 2023-02-20. Review status: criteria provided, single submitter. Criteria: Invitae Variant Classification Sherloc (09022015). Collection method: clinical testing. Allele origin: germline.

PreventionGenetics, part of Exact Sciences
Classification: Likely benign for NDUFS7-related condition. Last evaluated: 2020-02-07. Review status: no assertion criteria provided. Collection method: clinical testing. Allele origin: germline. Not counted in ClinVar's aggregate classification.
Comment: This variant is classified as likely benign based on ACMG/AMP sequence variant interpretation guidelines (Richards et al. 2015 PMID: 25741868, with internal and published modifications).